The following is an entry in ClinVar:

ClinVar aggregate classification (germline): Uncertain significance. Review status: criteria provided, single submitter (1 of 4 stars). 2 submissions from 2 submitters: Uncertain significance (1). 1 of the submissions does not count toward it. Last evaluated 2026-01-21.

Conditions:
RRAS2-related disorder. Also called: RRAS2-related condition.

gnomAD v4.1: 1 of 1,495,276 alleles (0.000067%); highest among the groups gnomAD compares: Non-Finnish European, 0.00009%; no homozygotes.

Submissions (2):

GeneDx
Classification: Uncertain significance. Last evaluated: 2026-01-21. Review status: criteria provided, single submitter. Criteria: GeneDx Variant Classification Process June 2021. Collection method: clinical testing. Allele origin: germline.
Comment: Not observed at significant frequency in large population cohorts (gnomAD); In silico analysis supports that this missense variant has a deleterious effect on protein structure/function; Has not been previously published as pathogenic or benign to our knowledge

PreventionGenetics, part of Exact Sciences
Classification: Uncertain significance for RRAS2-related condition. Last evaluated: 2024-05-17. Review status: no assertion criteria provided. Collection method: clinical testing. Allele origin: germline. Not counted in ClinVar's aggregate classification.
Comment: The RRAS2 c.46C>T variant is predicted to result in the amino acid substitution p.Arg16Trp. To our knowledge, this variant has not been reported in the literature or in a large population database, indicating this variant is rare. At this time, the clinical significance of this variant is uncertain due to the absence of conclusive functional and genetic evidence.

NM_012250.6(RRAS2):c.46C>T (p.Arg16Trp)

Genes: RRAS2 (RAS related 2; minus strand), LOC130005368 (ATAC-STARR-seq lymphoblastoid silent region 3172; plus strand). Cytogenetic location: 11p15.2.
Variant type: single nucleotide variant.
Coding change: c.46C>T on transcript NM_012250.6 (MANE Select); coding-DNA position 46, C replaced by T.
Protein change: p.Arg16Trp; replaces arginine 16 with tryptophan.
Molecular consequence: missense variant. On other transcripts: intron variant (1).
Genome position (GRCh38, 1-based): chr11:14,358,825, G>A on the plus strand (C>T on the coding strand, the complement: RRAS2 is on the minus strand). VCF-style: chr11-14358825-G-A. GRCh37 (hg19) VCF-style: chr11-14380371-G-A.
Other names: c.3+5566C>T (NM_001177314.2); short protein forms R16W.
Identifiers: ClinVar variation 3355593 (VCV003355593.2).